The following is an entry in ClinVar:

ClinVar aggregate classification (germline): Pathogenic (1 of 4 stars; one submission).

Submission:

Labcorp Genetics (formerly Invitae), Labcorp
Classification: Pathogenic. Last evaluated: 2023-11-11. Review status: criteria provided, single submitter. Criteria: Invitae Variant Classification Sherloc (09022015). Collection method: clinical testing. Allele origin: germline.
Comment: This sequence change creates a premature translational stop signal (p.Tyr174Metfs*9) in the NEXMIF gene. It is expected to result in an absent or disrupted protein product. Loss-of-function variants in NEXMIF are known to be pathogenic (PMID: 23615299). This variant is not present in population databases (gnomAD no frequency). This variant has not been reported in the literature in individuals affected with NEXMIF-related conditions. For these reasons, this variant has been classified as Pathogenic.

Literature cited by the submitters: PubMed 23615299.

NM_001008537.3(NEXMIF):c.520del (p.Tyr174fs)

Gene: NEXMIF (neurite extension and migration factor; minus strand). Cytogenetic location: Xq13.3.
Variant type: Deletion.
Coding change: c.520del on transcript NM_001008537.3 (MANE Select); coding-DNA position 520, one base deleted (T; older notation c.520delT).
Protein change: p.Tyr174fs; shifts the reading frame from tyrosine 174.
Molecular consequence: frameshift variant.
Genome position (GRCh38, 1-based): chrX:74,744,037, A deleted on the plus strand (T on the coding strand, the reverse complement: NEXMIF is on the minus strand); the first of 2 consecutive A bases (chrX:74,744,037-74,744,038); deleting either gives the same sequence. VCF-style (leftmost placement, unchanged base first): chrX-74744036-TA-T. GRCh37 (hg19) VCF-style: chrX-73963871-TA-T.
Other names: short protein forms Y174fs.
Identifiers: ClinVar variation 2695157 (VCV002695157.3), dbSNP rs2519916570, ClinGen allele CA2579647337.
Genomic context (GRCh38, chrX:74,744,036, plus strand): 5'-TTCATATTTTCTCCAGCATTAATACACTGAATCCCTATATCAGAGACTGCACACGTTTCA[TA>T]ATCCCTATTTAGATCACCAACTTTCAGACTGATCCCTGGCTCAGGATCTACTGCATCCTT-3'